The following is an entry in ClinVar:

ClinVar aggregate classification (germline): Uncertain significance (1 of 4 stars; one submission).

gnomAD v4.1: 2 of 1,614,052 alleles (0.00012%); highest among the groups gnomAD compares: Admixed American, 0.0033%; no homozygotes.

Submission:

Labcorp Genetics (formerly Invitae), Labcorp
Classification: Uncertain significance. Last evaluated: 2025-10-27. Review status: criteria provided, single submitter. Criteria: Invitae Variant Classification Sherloc (09022015). Collection method: clinical testing. Allele origin: germline.
Comment: This sequence change replaces glycine, which is neutral and non-polar, with cysteine, which is neutral and slightly polar, at codon 1852 of the CACNA1D protein (p.Gly1852Cys). This variant is present in population databases (rs772211449, gnomAD 0.003%). This variant has not been reported in the literature in individuals affected with CACNA1D-related conditions. An algorithm developed to predict the effect of missense changes on protein structure and function (PolyPhen-2) suggests that this variant is likely to be disruptive. In summary, the available evidence is currently insufficient to determine the role of this variant in disease. Therefore, it has been classified as a Variant of Uncertain Significance.

NM_001128840.3(CACNA1D):c.5494G>T (p.Gly1832Cys)

Gene: CACNA1D (calcium voltage-gated channel subunit alpha1 D; plus strand). Cytogenetic location: 3p21.1.
Variant type: single nucleotide variant.
Coding change: c.5494G>T on transcript NM_001128840.3 (MANE Select); coding-DNA position 5494, G replaced by T.
Protein change: p.Gly1832Cys; replaces glycine 1832 with cysteine.
Molecular consequence: missense variant.
Genome position (GRCh38, 1-based): chr3:53,803,481, G>T. VCF-style: chr3-53803481-G-T. GRCh37 (hg19) VCF-style: chr3-53837508-G-T.
Other names: c.5554G>T, p.Gly1852Cys (NM_000720.4); c.5422G>T, p.Gly1808Cys (NM_001128839.3); short protein forms G1808C, G1852C, G1832C.
Identifiers: ClinVar variation 4730010 (VCV004730010.1).